The following is an entry in ClinVar:

ClinVar aggregate classification (germline): Conflicting classifications of pathogenicity. Review status: criteria provided, conflicting classifications (1 of 4 stars). 10 submissions from 10 submitters: Uncertain significance (1); Benign (1); Likely benign (5). 3 of the submissions do not count toward it. Last evaluated 2026-01-21.

Conditions:
Melanoma, cutaneous malignant, susceptibility to, 5. Also called: Cutaneous malignant melanoma 5. Identifiers: Orphanet 618, MedGen C2751295, MONDO:0013133, OMIM 613099.

Allele frequency attached by ClinVar (database versions not stated): 1000 Genomes Project 0.00280; 1000 Genomes Project 30x 0.00281; gnomAD 0.00468 and 0.00480; ExAC 0.00500; ESP Exome Variant Server 0.00516; gnomAD exomes 0.00532 and 0.00644; TOPMed 0.00560.
gnomAD v4.1: 10,101 of 1,606,080 alleles (0.63%); highest among the groups gnomAD compares: Middle Eastern, 1.3%; 48 homozygotes.

Submissions (10):

Labcorp Genetics (formerly Invitae), Labcorp
Classification: Benign for Melanoma, cutaneous malignant, susceptibility to, 5. Last evaluated: 2026-01-21. Review status: criteria provided, single submitter. Criteria: Invitae Variant Classification Sherloc (09022015). Collection method: clinical testing. Allele origin: germline.

CeGaT Center for Human Genetics Tuebingen
Classification: Likely benign. Last evaluated: 2025-08-01. Review status: criteria provided, single submitter. Criteria: CeGaT Center For Human Genetics Tuebingen Variant Classification Criteria Version 2. Collection method: clinical testing. Allele origin: germline. Affected: yes. Observed: 7 variant alleles.
Comment: MC1R: PP3, BS2

ARUP Laboratories, Molecular Genetics and Genomics, ARUP Laboratories
Classification: Likely benign. Last evaluated: 2025-05-07. Review status: criteria provided, single submitter. Criteria: ARUP Molecular Germline Variant Investigation Process 2024. Collection method: clinical testing. Allele origin: germline.

Center for Genomic Medicine, Rigshospitalet, Copenhagen University Hospital
Classification: Uncertain significance. Last evaluated: 2025-03-04. Review status: criteria provided, single submitter. Criteria: ACMG Guidelines, 2015. Collection method: clinical testing. Allele origin: germline.

Blueprint Genetics
Classification: Likely benign. Last evaluated: 2024-11-26. Review status: criteria provided, single submitter. Criteria: ACMG Guidelines, 2015. Collection method: clinical testing. Allele origin: germline.

Illumina Laboratory Services, Illumina
Classification: Likely benign for Melanoma, cutaneous malignant, susceptibility to, 5. Last evaluated: 2017-04-27. Review status: criteria provided, single submitter. Criteria: ICSL Variant Classification Criteria 13 December 2019. Collection method: clinical testing. Allele origin: germline.
Comment: This variant was observed as part of a predisposition screen in an ostensibly healthy population. A literature search was performed for the gene, cDNA change, and amino acid change (where applicable). Publications were found based on this search. The evidence from the literature, in combination with allele frequency data from public databases where available, was sufficient to determine this variant is unlikely to cause disease. Therefore, this variant is classified as likely benign.

Breakthrough Genomics
Classification: Likely benign. Review status: criteria provided, single submitter. Criteria: ACMG Guidelines, 2015. Collection method: not provided. Allele origin: germline. Inheritance: Autosomal recessive inheritance. Affected: yes.

Clinical Genetics DNA and cytogenetics Diagnostics Lab, Erasmus MC, Erasmus Medical Center
Classification: Likely benign. Review status: no assertion criteria provided. Collection method: clinical testing. Allele origin: germline. Affected: yes. Study: VKGL Data-share Consensus. Not counted in ClinVar's aggregate classification.

Clinical Genetics, Academic Medical Center
Classification: Likely benign. Review status: no assertion criteria provided. Collection method: clinical testing. Allele origin: germline. Affected: yes. Study: VKGL Data-share Consensus. Not counted in ClinVar's aggregate classification.

Department of Pathology and Laboratory Medicine, Sinai Health System
Classification: Likely benign. Review status: no assertion criteria provided. Collection method: clinical testing. Allele origin: unknown. Affected: yes. Study: The Canadian Open Genetics Repository (COGR). Not counted in ClinVar's aggregate classification.
Comment: The MC1R p.Arg142His variant was identified in dbSNP (ID: rs11547464) as "With Likely benign allele" and in ClinVar (classified as benign and likely benign by Invitae and Illumina, respectively; associated conditions are Cutaneous malignant melanoma 5 and Malignant Melanoma Susceptibility). The variant was not identified in Cosmic. The variant was also found in control databases in 1414 of 275224 chromosomes (7 homozygous) at a frequency of 0.005138 increasing the likelihood this could be a low frequency benign variant (Genome Aggregation Database Feb 27, 2017). The variant was observed in the following populations: Ashkenazi Jewish in 172 of 10318 chromosomes (freq: 0.01667), Other in 72 of 7130 chromosomes (freq: 0.0101), European (non-Finnish) in 874 of 127818 chromosomes (freq: 0.006838), Latino in 239 of 35340 chromosomes (freq: 0.006763), European (Finnish) in 27 of 19814 chromosomes (freq: 0.001363), African in 24 of 24718 chromosomes (freq: 0.000971), South Asian in 5 of 30578 chromosomes (freq: 0.000164), and East Asian in 1 of 19508 chromosomes (freq: 0.000051). The p.R142H variant is classified as a strong-R allele for the Red Hair Colour (RHC) phenotype (Morgan_2018_PMID: 30531825; Williams_2011_PMID: 21128237). The literature is inconsistent with regards to the p.R142H variantâ€šÃ„Ã´s association with cutaneous melanoma (Williams_2011_PMID: 21128237; Artomov_2017_PMID: 29522175; Raimondi_2008_PMID: 18366057). One in vitro study showed the p.R142H variant has conserved binding properties but strongly impaired coupling to the cAMP generation system leading to red hair colour (Schioth_1999_PMID: 10403794). The variant occurs outside of the splicing consensus sequence and in silico or computational prediction software programs (SpliceSiteFinder, MaxEntScan, NNSPLICE, GeneSplicer) do not predict a difference in splicing. The p.Arg142 residue is conserved in mammals and computational analyses (PolyPhen-2, SIFT, AlignGVGD, BLOSUM, MutationTaster) provide inconsistent predictions regarding the impact to the protein; this information is not very predictive of pathogenicity. In summary, based on the above information the clinical significance of this variant cannot be determined with certainty at this time although we would lean towards a more benign role for this variant. This variant is classified as likely benign.

Literature cited by the submitters: PubMed 28360400 (cited by Center for Genomic Medicine, Rigshospitalet, Copenhagen University Hospital); PubMed 23647022 (cited by Center for Genomic Medicine, Rigshospitalet, Copenhagen University Hospital); PubMed 19585506 (cited by Center for Genomic Medicine, Rigshospitalet, Copenhagen University Hospital and Illumina Laboratory Services, Illumina); PubMed 10403794 (cited by Illumina Laboratory Services, Illumina); PubMed 18366057 (cited by Illumina Laboratory Services, Illumina); PubMed 22095742 (cited by Illumina Laboratory Services, Illumina); PubMed 21128237 (cited by Illumina Laboratory Services, Illumina); PubMed 19924138 (cited by Illumina Laboratory Services, Illumina).

NM_002386.4(MC1R):c.425G>A (p.Arg142His)

Gene: MC1R (melanocortin 1 receptor; plus strand). Cytogenetic location: 16q24.3.
Variant type: single nucleotide variant.
Coding change: c.425G>A on transcript NM_002386.4 (MANE Select); coding-DNA position 425, G replaced by A.
Protein change: p.Arg142His; replaces arginine 142 with histidine.
Molecular consequence: missense variant.
Genome position (GRCh38, 1-based): chr16:89,919,683, G>A. VCF-style: chr16-89919683-G-A. GRCh37 (hg19) VCF-style: chr16-89986091-G-A.
Other names: short protein forms R142H.
Identifiers: ClinVar variation 239153 (VCV000239153.60), dbSNP rs11547464, ClinGen allele CA8255589.